The following is an entry in ClinVar:

ClinVar aggregate classification (germline): Uncertain significance (1 of 4 stars; one submission).

Conditions:
Duchenne muscular dystrophy (DMD). Also called: MUSCULAR DYSTROPHY, PSEUDOHYPERTROPHIC PROGRESSIVE, DUCHENNE TYPE; Duchenne Muscular Dystrophy (DMD). Identifiers: Orphanet 98896, MedGen C0013264, MONDO:0010679, OMIM 310200.

Allele frequency attached by ClinVar (database versions not stated): TOPMed below 0.00001.

Submission:

Labcorp Genetics (formerly Invitae), Labcorp
Classification: Uncertain significance for Duchenne muscular dystrophy. Last evaluated: 2025-08-02. Review status: criteria provided, single submitter. Criteria: Invitae Variant Classification Sherloc (09022015). Collection method: clinical testing. Allele origin: germline.
Comment: This sequence change replaces lysine, which is basic and polar, with glutamic acid, which is acidic and polar, at codon 225 of the DMD protein (p.Lys225Glu). This variant is not present in population databases (gnomAD no frequency). This variant has not been reported in the literature in individuals affected with DMD-related conditions. ClinVar contains an entry for this variant (Variation ID: 1430542). Invitae Evidence Modeling of protein sequence and biophysical properties (such as structural, functional, and spatial information, amino acid conservation, physicochemical variation, residue mobility, and thermodynamic stability) indicates that this missense variant is not expected to disrupt DMD protein function with a negative predictive value of 95%. In summary, the available evidence is currently insufficient to determine the role of this variant in disease. Therefore, it has been classified as a Variant of Uncertain Significance.

NM_004006.3(DMD):c.673A>G (p.Lys225Glu)

Gene: DMD (dystrophin; minus strand). Cytogenetic location: Xp21.1.
Variant type: single nucleotide variant.
Coding change: c.673A>G on transcript NM_004006.3 (MANE Select); coding-DNA position 673, A replaced by G.
Protein change: p.Lys225Glu; replaces lysine 225 with glutamic acid.
Molecular consequence: missense variant.
Genome position (GRCh38, 1-based): chrX:32,699,270, T>C on the plus strand (A>G on the coding strand, the complement: DMD is on the minus strand). VCF-style: chrX-32699270-T-C. GRCh37 (hg19) VCF-style: chrX-32717387-T-C.
Other names: c.649A>G, p.Lys217Glu (NM_000109.4); c.661A>G, p.Lys221Glu (NM_004009.3); c.304A>G, p.Lys102Glu (NM_004010.3); short protein forms K102E, K225E, K217E, K221E.
Identifiers: ClinVar variation 1430542 (VCV001430542.4), dbSNP rs2063901822, ClinGen allele CA412669134.